The following is an entry in ClinVar:

NM_201384.3(PLEC):c.2813G>A (p.Arg938Gln)

Gene: PLEC (plectin; minus strand). Cytogenetic location: 8q24.3.
Variant type: single nucleotide variant.
Coding change: c.2813G>A on transcript NM_201384.3 (MANE Select); coding-DNA position 2813, G replaced by A.
Protein change: p.Arg938Gln; replaces arginine 938 with glutamine.
Molecular consequence: missense variant.
Genome position (GRCh38, 1-based): chr8:143,929,756, C>T on the plus strand (G>A on the coding strand, the complement: PLEC is on the minus strand). VCF-style: chr8-143929756-C-T. GRCh37 (hg19) VCF-style: chr8-145003924-C-T.
Other names: c.2894G>A (NM_000445.3, NM_000445.4); c.2717G>A, p.Arg906Gln (NM_201381.3); c.2813G>A, p.Arg938Gln (NM_201382.4); c.2825G>A, p.Arg942Gln (NM_201383.3); c.2894G>A, p.Arg965Gln (NM_000445.5); c.2771G>A, p.Arg924Gln (NM_201378.4); c.2747G>A, p.Arg916Gln (NM_201379.3); c.3224G>A, p.Arg1075Gln (NM_201380.4); short protein forms R1075Q, R906Q, R916Q, R924Q, R938Q, R942Q, R965Q.
Identifiers: ClinVar variation 1063800 (VCV001063800.6), dbSNP rs553483629, ClinGen allele CA4927339.

ClinVar aggregate classification (germline): Uncertain significance. Review status: criteria provided, multiple submitters, no conflicts (2 of 4 stars). 3 submissions from 3 submitters: Uncertain significance (3). Last evaluated 2026-06-02.

Conditions:
PLEC-related disorder. Also called: PLEC-related disorders; PLEC-related condition.
Epidermolysis bullosa simplex 5C, with pyloric atresia (EBS5C). Also called: PLEC-Related Epidermolysis Bullosa with Pyloric Atresia; Epidermolysis bullosa simplex with pyloric atresia; PLEC1-Related Epidermolysis Bullosa with Pyloric Atresia. Identifiers: Orphanet 158684, MedGen C2677349, MONDO:0012807, OMIM 612138.
Epidermolysis bullosa simplex with nail dystrophy (EBS5D). Identifiers: MedGen C4225309, MONDO:0014661, OMIM 616487.
Autosomal recessive limb-girdle muscular dystrophy type 2Q (LGMDR17). Also called: MUSCULAR DYSTROPHY, LIMB-GIRDLE, AUTOSOMAL RECESSIVE 17. Identifiers: Orphanet 254361, MedGen C3150989, MONDO:0013390, OMIM 613723.
Epidermolysis bullosa simplex 5B, with muscular dystrophy (EBS5B). Also called: EPIDERMOLYSIS BULLOSA SIMPLEX AND LIMB-GIRDLE MUSCULAR DYSTROPHY; Epidermolysis bullosa simplex with muscular dystrophy. Identifiers: Orphanet 257, MedGen C2931072, MONDO:0009181, OMIM 226670.
Epidermolysis bullosa simplex, Ogna type (EBS5A). Also called: Pidermolysis bullosa simplex 5A, Ogna type; EPIDERMOLYSIS BULLOSA SIMPLEX 5A, OGNA TYPE. Identifiers: Orphanet 79401, MedGen C0432317, MONDO:0007555, OMIM 131950.

Allele frequency attached by ClinVar (database versions not stated): TOPMed 0.00004; gnomAD exomes 0.00006 and 0.00003; ExAC 0.00008; 1000 Genomes Project 30x 0.00016; gnomAD 0.00001 and 0.00002; 1000 Genomes Project 0.00020.
gnomAD v4.1: 46 of 1,599,974 alleles (0.0029%); highest among the groups gnomAD compares: East Asian, 0.016%; no homozygotes.

Submissions (4):

PreventionGenetics, part of Exact Sciences
Classification: Uncertain significance for PLEC-related condition. Last evaluated: 2026-06-02. Review status: criteria provided, single submitter. Criteria: ACMG Guidelines, 2015. Collection method: clinical testing. Allele origin: germline.
Comment: The PLEC c.2894G>A variant is predicted to result in the amino acid substitution p.Arg965Gln. To our knowledge, this variant has not been reported in the literature. This variant is reported in 0.031% of alleles in individuals of East Asian descent in gnomAD. At this time, the clinical significance of this variant is uncertain due to the absence of conclusive functional and genetic evidence.

Labcorp Genetics (formerly Invitae), Labcorp
Classification: Uncertain significance for Autosomal recessive limb-girdle muscular dystrophy type 2Q; Epidermolysis bullosa simplex, Ogna type; Epidermolysis bullosa simplex with nail dystrophy; Epidermolysis bullosa simplex 5C, with pyloric atresia; Epidermolysis bullosa simplex 5B, with muscular dystrophy. Last evaluated: 2025-01-20. Review status: criteria provided, single submitter. Criteria: Invitae Variant Classification Sherloc (09022015). Collection method: clinical testing. Allele origin: germline.
Comment: This sequence change replaces arginine, which is basic and polar, with glutamine, which is neutral and polar, at codon 965 of the PLEC protein (p.Arg965Gln). This variant is present in population databases (rs553483629, gnomAD 0.02%). This variant has not been reported in the literature in individuals affected with PLEC-related conditions. ClinVar contains an entry for this variant (Variation ID: 1063800). Invitae Evidence Modeling of protein sequence and biophysical properties (such as structural, functional, and spatial information, amino acid conservation, physicochemical variation, residue mobility, and thermodynamic stability) indicates that this missense variant is not expected to disrupt PLEC protein function with a negative predictive value of 80%. In summary, the available evidence is currently insufficient to determine the role of this variant in disease. Therefore, it has been classified as a Variant of Uncertain Significance.

GeneDx
Classification: Uncertain significance. Last evaluated: 2024-08-06. Review status: criteria provided, single submitter. Criteria: GeneDx Variant Classification Process June 2021. Collection method: clinical testing. Allele origin: germline. Affected: yes.
Comment: In silico analysis indicates that this missense variant does not alter protein structure/function; Has not been previously published as pathogenic or benign to our knowledge; In silico analysis suggests this variant may impact gene splicing. In the absence of RNA/functional studies, the actual effect of this sequence change is unknown.; This variant is associated with the following publications: (PMID: 30161220)

Dr. Peter K. Rogan Lab, Western University
No classification provided (evidence only). Condition: Ovarian serous cystadenocarcinoma. Review status: no classification provided. Collection method: in vitro. Allele origin: not applicable. Functional consequence: retained intron. Not counted in ClinVar's aggregate classification.